The following is an entry in ClinVar:

ClinVar aggregate classification (germline): Uncertain significance (1 of 4 stars; one submission).

Allele frequency attached by ClinVar (database versions not stated): TOPMed 0.00001.
gnomAD v4.1: 11 of 1,600,954 alleles (0.00069%); highest among the groups gnomAD compares: Non-Finnish European, 0.00094%; no homozygotes.

Submission:

Labcorp Genetics (formerly Invitae), Labcorp
Classification: Uncertain significance. Last evaluated: 2022-02-09. Review status: criteria provided, single submitter. Criteria: Invitae Variant Classification Sherloc (09022015). Collection method: clinical testing. Allele origin: germline.
Comment: In summary, the available evidence is currently insufficient to determine the role of this variant in disease. Therefore, it has been classified as a Variant of Uncertain Significance. Algorithms developed to predict the effect of missense changes on protein structure and function (SIFT, PolyPhen-2, Align-GVGD) all suggest that this variant is likely to be disruptive. This variant has not been reported in the literature in individuals affected with ARHGEF18-related conditions. This variant is not present in population databases (gnomAD no frequency). This sequence change replaces arginine, which is basic and polar, with cysteine, which is neutral and slightly polar, at codon 1070 of the ARHGEF18 protein (p.Arg1070Cys).

NM_001367823.1(ARHGEF18):c.3772C>T (p.Arg1258Cys)

Gene: ARHGEF18 (Rho/Rac guanine nucleotide exchange factor 18; plus strand). Cytogenetic location: 19p13.2.
Variant type: single nucleotide variant.
Coding change: c.3772C>T on transcript NM_001367823.1 (MANE Select); coding-DNA position 3772, C replaced by T.
Protein change: p.Arg1258Cys; replaces arginine 1258 with cysteine.
Molecular consequence: missense variant.
Genome position (GRCh38, 1-based): chr19:7,469,116, C>T. VCF-style: chr19-7469116-C-T. GRCh37 (hg19) VCF-style: chr19-7534002-C-T.
Other names: c.3046C>T, p.Arg1016Cys (NM_001130955.2); c.2734C>T, p.Arg912Cys (NM_001367824.1, NM_015318.4); short protein forms R1258C, R912C, R1016C.
Identifiers: ClinVar variation 1463409 (VCV001463409.8), dbSNP rs577523426, ClinGen allele CA403094687.